The following is an entry in ClinVar:

ClinVar aggregate classification (germline): Uncertain significance. Review status: criteria provided, single submitter (1 of 4 stars). 2 submissions from 2 submitters: Uncertain significance (1). 1 of the submissions does not count toward it. Last evaluated 2024-03-18.

Conditions:
RAD1-related disorder. Also called: RAD1-related condition.

Allele frequency attached by ClinVar (database versions not stated): gnomAD exomes 0.00003; ExAC 0.00006; gnomAD 0.00007; TOPMed 0.00010.
gnomAD v4.1: 64 of 1,612,324 alleles (0.004%); highest among the groups gnomAD compares: Admixed American, 0.069%; 1 homozygote.

Submissions (2):

Ambry Genetics
Classification: Uncertain significance. Last evaluated: 2024-03-18. Review status: criteria provided, single submitter. Criteria: Ambry Variant Classification Scheme 2023. Collection method: clinical testing. Allele origin: germline.

PreventionGenetics, part of Exact Sciences
Classification: Uncertain significance for RAD1-related condition. Last evaluated: 2023-11-13. Review status: no assertion criteria provided. Collection method: clinical testing. Allele origin: germline. Not counted in ClinVar's aggregate classification.
Comment: The RAD1 c.799G>C variant is predicted to result in the amino acid substitution p.Val267Leu. To our knowledge, this variant has not been reported in the literature. This variant is reported in 0.057% of alleles in individuals of Latino descent in gnomAD. At this time, the clinical significance of this variant is uncertain due to the absence of conclusive functional and genetic evidence.

NM_002853.4(RAD1):c.799G>C (p.Val267Leu)

Genes: RAD1 (RAD1 checkpoint DNA exonuclease; minus strand), TTC23L (tetratricopeptide repeat domain 23 like; plus strand). Cytogenetic location: 5p13.2.
Variant type: single nucleotide variant.
Coding change: c.799G>C on transcript NM_002853.4 (MANE Select); coding-DNA position 799, G replaced by C.
Protein change: p.Val267Leu; replaces valine 267 with leucine.
Molecular consequence: missense variant. On other transcripts: non-coding transcript variant (1).
Genome position (GRCh38, 1-based): chr5:34,908,815, C>G on the plus strand (G>C on the coding strand, the complement: RAD1 is on the minus strand). VCF-style: chr5-34908815-C-G. GRCh37 (hg19) VCF-style: chr5-34908920-C-G.
Other names: short protein forms V267L.
Identifiers: ClinVar variation 3032386 (VCV003032386.3), dbSNP rs767339733, ClinGen allele CA3227722.